The following is an entry in ClinVar:

NM_012250.6(RRAS2):c.67G>T (p.Gly23Cys)

Genes: RRAS2 (RAS related 2; minus strand), LOC130005368 (ATAC-STARR-seq lymphoblastoid silent region 3172; plus strand). Cytogenetic location: 11p15.2.
Variant type: single nucleotide variant.
Coding change: c.67G>T on transcript NM_012250.6 (MANE Select); coding-DNA position 67, G replaced by T.
Protein change: p.Gly23Cys; replaces glycine 23 with cysteine.
Molecular consequence: missense variant. On other transcripts: intron variant (1).
Genome position (GRCh38, 1-based): chr11:14,358,804, C>A on the plus strand (G>T on the coding strand, the complement: RRAS2 is on the minus strand). VCF-style: chr11-14358804-C-A. GRCh37 (hg19) VCF-style: chr11-14380350-C-A.
Other names: c.3+5587G>T (NM_001177314.2); short protein forms G23C.
Identifiers: ClinVar variation 1342092 (VCV001342092.32), dbSNP rs2134048726, ClinGen allele CA379862798.

ClinVar aggregate classification (germline): Pathogenic/Likely pathogenic. Review status: criteria provided, multiple submitters, no conflicts (2 of 4 stars). 3 submissions from 3 submitters: Pathogenic (2); Likely pathogenic (1). Last evaluated 2024-10-23.
ClinVar aggregate classification (somatic clinical impact): Tier II - Potential (1 of 4 stars; one submission).

Conditions:
Noonan syndrome (NS). Also called: Noonan's syndrome. Identifiers: Orphanet 648, MedGen C0028326, MeSH D009634, MONDO:0018997. Disease mechanism: gain of function.
Germinoma. Also called: Germinoma (disease). Identifiers: MedGen C0206660, MONDO:0002598, HP:0100620.

Submissions (4):

GeneDx
Classification: Pathogenic. Last evaluated: 2024-10-23. Review status: criteria provided, single submitter. Criteria: GeneDx Variant Classification Process June 2021. Collection method: clinical testing. Allele origin: germline. Affected: yes.
Comment: Not observed at significant frequency in large population cohorts (gnomAD); In silico analysis supports that this missense variant has a deleterious effect on protein structure/function; This variant is associated with the following publications: (PMID: 37942564)

Institute for Genomic Medicine (IGM) Clinical Laboratory, Nationwide Children's Hospital
Classification: Tier II - Potential for Germinoma. Assertion type: diagnostic. Clinical significance: supports diagnosis. Last evaluated: 2024-03-12. Review status: criteria provided, single submitter. Criteria: AMP/ASCO/CAP Guidelines, 2017. Collection method: clinical testing. Allele origin: somatic. Affected: yes.
Comment: Variant has Tier II (potential) clinical significance as a diagnostic inclusion criterion in germinoma, based on the following evidence: 1) Documented in one or more cancer databases (e.g., St. Jude Pecan, COSMIC, CIViC, OncoKB). 2) Information in the literature supports potential biologic effect of variant (PMIDs: 24826867, 17656362). 3) Diagnostic significance based on multiple small studies (Evidence Level C; PMIDs: 27391150, 24148564, 32721511, 28078450).

CeGaT Center for Human Genetics Tuebingen
Classification: Likely pathogenic. Last evaluated: 2023-08-01. Review status: criteria provided, single submitter. Criteria: CeGaT Center For Human Genetics Tuebingen Variant Classification Criteria Version 2. Collection method: clinical testing. Allele origin: germline. Affected: yes. Observed: 1 variant allele.
Comment: RRAS2: PM2, PM5, PP3, PS2:Supporting

Pediatrics, Sichuan Provincial Hospital For Women And Children
Classification: Pathogenic for Noonan syndrome. Last evaluated: 2023-03-14. Review status: criteria provided, single submitter. Criteria: ACMG Guidelines, 2015. Collection method: research. Allele origin: de novo. Inheritance: Autosomal dominant inheritance. Affected: yes. Observed: 1 hemizygote.
Comment: Physical examination showed a height of 114 cm, weight of 18 kg, head circumference of 54.5cm> 3sd, prominent forehead, high hairline, small hair volume, wide eye spacing, no nystagmus, nasal bridge collapse, high palatal arch, and widened bilateral papilla spacing. Vision and hearing

Literature cited by the submitters: PubMed 24826867 (cited by Institute for Genomic Medicine (IGM) Clinical Laboratory, Nationwide Children's Hospital); PubMed 17656362 (cited by Institute for Genomic Medicine (IGM) Clinical Laboratory, Nationwide Children's Hospital); PubMed 27391150 (cited by Institute for Genomic Medicine (IGM) Clinical Laboratory, Nationwide Children's Hospital); PubMed 24148564 (cited by Institute for Genomic Medicine (IGM) Clinical Laboratory, Nationwide Children's Hospital); PubMed 32721511 (cited by Institute for Genomic Medicine (IGM) Clinical Laboratory, Nationwide Children's Hospital); PubMed 28078450 (cited by Institute for Genomic Medicine (IGM) Clinical Laboratory, Nationwide Children's Hospital).